The following is an entry in ClinVar:

NM_001080467.3(MYO5B):c.2645G>T (p.Arg882Leu)

Gene: MYO5B (myosin VB; minus strand). Cytogenetic location: 18q21.1.
Variant type: single nucleotide variant.
Coding change: c.2645G>T on transcript NM_001080467.3 (MANE Select); coding-DNA position 2645, G replaced by T.
Protein change: p.Arg882Leu; replaces arginine 882 with leucine.
Molecular consequence: missense variant.
Genome position (GRCh38, 1-based): chr18:49,902,760, C>A on the plus strand (G>T on the coding strand, the complement: MYO5B is on the minus strand). VCF-style: chr18-49902760-C-A. GRCh37 (hg19) VCF-style: chr18-47429130-C-A.
Other names: short protein forms R882L.
Identifiers: ClinVar variation 3165220 (VCV003165220.2), dbSNP rs752808273, ClinGen allele CA8960983.

ClinVar aggregate classification (germline): Uncertain significance. Review status: criteria provided, multiple submitters, no conflicts (2 of 4 stars). 2 submissions from 2 submitters: Uncertain significance (2). Last evaluated 2024-10-03.

Conditions:
Inborn genetic diseases. Identifiers: MedGen C0950123, MeSH D030342.

Submissions (2):

Labcorp Genetics (formerly Invitae), Labcorp
Classification: Uncertain significance. Last evaluated: 2024-10-03. Review status: criteria provided, single submitter. Criteria: Invitae Variant Classification Sherloc (09022015). Collection method: clinical testing. Allele origin: germline.
Comment: This sequence change replaces arginine, which is basic and polar, with leucine, which is neutral and non-polar, at codon 882 of the MYO5B protein (p.Arg882Leu). This variant is present in population databases (rs752808273, gnomAD 0.007%). This variant has not been reported in the literature in individuals affected with MYO5B-related conditions. Invitae Evidence Modeling of protein sequence and biophysical properties (such as structural, functional, and spatial information, amino acid conservation, physicochemical variation, residue mobility, and thermodynamic stability) indicates that this missense variant is not expected to disrupt MYO5B protein function with a negative predictive value of 80%. In summary, the available evidence is currently insufficient to determine the role of this variant in disease. Therefore, it has been classified as a Variant of Uncertain Significance.

Ambry Genetics
Classification: Uncertain significance for Inborn genetic diseases. Last evaluated: 2024-02-28. Review status: criteria provided, single submitter. Criteria: Ambry Variant Classification Scheme 2023. Collection method: clinical testing. Allele origin: germline.